The following is an entry in ClinVar:

ClinVar aggregate classification (germline): Uncertain significance (1 of 4 stars; one submission).

Conditions:
Naxos disease (NXD). Also called: WOOLLY HAIR, PALMOPLANTAR KERATODERMA, AND CARDIAC ABNORMALITIES; CARDIOMYOPATHY, ARRHYTHMOGENIC RIGHT VENTRICULAR, WITH SKIN, HAIR, AND NAIL ABNORMALITIES; KERATOSIS PALMOPLANTARIS WITH ARRHYTHMOGENIC CARDIOMYOPATHY; MAL DE NAXOS; PALMOPLANTAR KERATODERMA WITH ARRHYTHMOGENIC RIGHT VENTRICULAR CARDIOMYOPATHY AND WOOLLY HAIR. Identifiers: Orphanet 34217, MedGen C1832600, MONDO:0011017, OMIM 601214.
Arrhythmogenic right ventricular dysplasia 12. Also called: ARRHYTHMOGENIC RIGHT VENTRICULAR DYSPLASIA, FAMILIAL, 12. Identifiers: MedGen C1969081, MONDO:0012684, OMIM 611528.

Submission:

Labcorp Genetics (formerly Invitae), Labcorp
Classification: Uncertain significance for Arrhythmogenic right ventricular dysplasia 12; Naxos disease. Last evaluated: 2022-10-13. Review status: criteria provided, single submitter. Criteria: Invitae Variant Classification Sherloc (09022015). Collection method: clinical testing. Allele origin: germline.
Comment: This variant is not present in population databases (gnomAD no frequency). This sequence change replaces histidine, which is basic and polar, with tyrosine, which is neutral and polar, at codon 251 of the JUP protein (p.His251Tyr). This variant has not been reported in the literature in individuals affected with JUP-related conditions. In summary, the available evidence is currently insufficient to determine the role of this variant in disease. Therefore, it has been classified as a Variant of Uncertain Significance. Algorithms developed to predict the effect of missense changes on protein structure and function are either unavailable or do not agree on the potential impact of this missense change (SIFT: "Tolerated"; PolyPhen-2: "Possibly Damaging"; Align-GVGD: "Class C0").

NM_002230.4(JUP):c.751C>T (p.His251Tyr)

Gene: JUP (junction plakoglobin; minus strand). Cytogenetic location: 17q21.2.
Variant type: single nucleotide variant.
Coding change: c.751C>T on transcript NM_002230.4 (MANE Select); coding-DNA position 751, C replaced by T.
Protein change: p.His251Tyr; replaces histidine 251 with tyrosine.
Molecular consequence: missense variant.
Genome position (GRCh38, 1-based): chr17:41,767,537, G>A on the plus strand (C>T on the coding strand, the complement: JUP is on the minus strand). VCF-style: chr17-41767537-G-A. GRCh37 (hg19) VCF-style: chr17-39923789-G-A.
Other names: c.751C>T, p.His251Tyr (NM_001352773.2, NM_001352774.2, NM_001352775.2 and 3 more transcripts); short protein forms H251Y.
Identifiers: ClinVar variation 2126305 (VCV002126305.4), dbSNP rs1915924032, ClinGen allele CA399501525.
Genomic context (GRCh38, chr17:41,767,537, plus strand): 5'-GCAGCCCGTCGGCCAGGCGCACGGCCATCTTGGCGCCCTCCTGGTACAGGAGCAGGTTGT[G>A]CAGCGTGGTGATGGCATAGAACAGGACCGACTCCACAGGGGAGCTGGGGGGGTGGGCAGG-3'
Protein context (NP_002221.1, residues 241-261): SVLFYAITTL[His251Tyr]NLLLYQEGAK